The following is an entry in ClinVar:

ClinVar aggregate classification (germline): Uncertain significance (1 of 4 stars; one submission).

Allele frequency attached by ClinVar (database versions not stated): gnomAD exomes below 0.00001; ExAC 0.00002.
gnomAD v4.1: 4 of 1,551,108 alleles (0.00026%); highest among the groups gnomAD compares: Non-Finnish European, 0.00036%; no homozygotes.

Submission:

Ambry Genetics
Classification: Uncertain significance. Last evaluated: 2023-05-25. Review status: criteria provided, single submitter. Criteria: Ambry Variant Classification Scheme 2023. Collection method: clinical testing. Allele origin: germline.
Comment: The p.N340S variant (also known as c.1019A>G), located in coding exon 12 of the NPAT gene, results from an A to G substitution at nucleotide position 1019. The asparagine at codon 340 is replaced by serine, an amino acid with highly similar properties. This amino acid position is conserved. In addition, this alteration is predicted to be tolerated by in silico analysis. Since supporting evidence is limited at this time, the clinical significance of this alteration remains unclear.

NM_002519.3(NPAT):c.1019A>G (p.Asn340Ser)

Gene: NPAT (nuclear protein, coactivator of histone transcription; minus strand). Cytogenetic location: 11q22.3.
Variant type: single nucleotide variant.
Coding change: c.1019A>G on transcript NM_002519.3 (MANE Select); coding-DNA position 1019, A replaced by G.
Protein change: p.Asn340Ser; replaces asparagine 340 with serine.
Molecular consequence: missense variant.
Genome position (GRCh38, 1-based): chr11:108,176,359, T>C on the plus strand (A>G on the coding strand, the complement: NPAT is on the minus strand). VCF-style: chr11-108176359-T-C. GRCh37 (hg19) VCF-style: chr11-108047086-T-C.
Other names: c.1019A>G, p.Asn340Ser (NM_001321307.1); short protein forms N340S.
Identifiers: ClinVar variation 2568013 (VCV002568013.2), dbSNP rs780835797, ClinGen allele CA6264088.
Genomic context (GRCh38, chr11:108,176,359, plus strand): 5'-AAGACTATACTGGGATTGGATTCCATAGGTTGACTGGAAATACTTTGTGATATATTTTTA[T>C]TATTCTTTGTTTTGCCTGTTAAAAAGGGAATATGGAAATAATTAAATGACCAAAACAAAA-3'
Protein context (NP_002510.2, residues 330-350): DLFDYGKTKN[Asn340Ser]KNISQSISSQ